The following is an entry in ClinVar:

NM_001184.4(ATR):c.2976+1G>A

Gene: ATR (ATR checkpoint kinase; minus strand). Cytogenetic location: 3q23.
Variant type: single nucleotide variant.
Coding change: c.2976+1G>A on transcript NM_001184.4 (MANE Select); the canonical splice donor site of the intron after coding-DNA position 2976, G replaced by A.
Molecular consequence: splice donor variant.
Genome position (GRCh38, 1-based): chr3:142,550,131, C>T on the plus strand (G>A on the coding strand, the complement: ATR is on the minus strand). VCF-style: chr3-142550131-C-T. GRCh37 (hg19) VCF-style: chr3-142268973-C-T.
Other names: c.2784+1G>A (NM_001354579.2).
Identifiers: ClinVar variation 1065965 (VCV001065965.7), dbSNP rs2108456024, ClinGen allele CA354812617.

ClinVar aggregate classification (germline): Likely pathogenic (1 of 4 stars; one submission).

Submission:

Labcorp Genetics (formerly Invitae), Labcorp
Classification: Likely pathogenic. Last evaluated: 2020-06-28. Review status: criteria provided, single submitter. Criteria: Invitae Variant Classification Sherloc (09022015). Collection method: clinical testing. Allele origin: germline.
Comment: In summary, the currently available evidence indicates that the variant is pathogenic, but additional data are needed to prove that conclusively. Therefore, this variant has been classified as Likely Pathogenic. Donor and acceptor splice site variants typically lead to a loss of protein function (PMID: 16199547), and loss-of-function variants in ATR are known to be pathogenic (PMID: 21228398, 23144622). Algorithms developed to predict the effect of sequence changes on RNA splicing suggest that this variant may disrupt the consensus splice site, but this prediction has not been confirmed by published transcriptional studies. This variant has not been reported in the literature in individuals with ATR-related conditions. This variant is not present in population databases (ExAC no frequency). This sequence change affects a donor splice site in intron 14 of the ATR gene. It is expected to disrupt RNA splicing and likely results in an absent or disrupted protein product.

Literature cited by the submitters: PubMed 16199547; PubMed 21228398; PubMed 23144622.